The following is an entry in ClinVar:

ClinVar aggregate classification (germline): Uncertain significance (1 of 4 stars; one submission).

Conditions:
Spastic paraplegia. Identifiers: MedGen C0037772, HP:0001258.

Submission:

Labcorp Genetics (formerly Invitae), Labcorp
Classification: Uncertain significance for Spastic paraplegia. Last evaluated: 2023-07-25. Review status: criteria provided, single submitter. Criteria: Invitae Variant Classification Sherloc (09022015). Collection method: clinical testing. Allele origin: germline.
Comment: In summary, the available evidence is currently insufficient to determine the role of this variant in disease. Therefore, it has been classified as a Variant of Uncertain Significance. Variants that disrupt the consensus splice site are a relatively common cause of aberrant splicing (PMID: 17576681, 9536098). Algorithms developed to predict the effect of sequence changes on RNA splicing suggest that this variant is not likely to affect RNA splicing. This variant has not been reported in the literature in individuals affected with KIF5A-related conditions. This variant is not present in population databases (gnomAD no frequency). This sequence change falls in intron 1 of the KIF5A gene. It does not directly change the encoded amino acid sequence of the KIF5A protein. It affects a nucleotide within the consensus splice site.

Literature cited by the submitters: PubMed 17576681; PubMed 9536098.

NM_004984.4(KIF5A):c.129+6T>A

Gene: KIF5A (kinesin family member 5A; plus strand). Cytogenetic location: 12q13.3.
Variant type: single nucleotide variant.
Coding change: c.129+6T>A on transcript NM_004984.4 (MANE Select); 6 bases into the intron after coding-DNA position 129, T replaced by A.
Molecular consequence: intron variant.
Genome position (GRCh38, 1-based): chr12:57,550,406, T>A. VCF-style: chr12-57550406-T-A. GRCh37 (hg19) VCF-style: chr12-57944189-T-A.
Other names: c.129+6T>A (NM_001354705.2).
Identifiers: ClinVar variation 2746816 (VCV002746816.3), dbSNP rs2540481502, ClinGen allele CA2697559300.